The following is an entry in ClinVar:

NM_020778.5(ALPK3):c.1130_1131delinsAC (p.Gly377Asp)

Gene: ALPK3 (alpha kinase 3; plus strand). Cytogenetic location: 15q25.3.
Variant type: Indel.
Coding change: c.1130_1131delinsAC on transcript NM_020778.5 (MANE Select); coding-DNA positions 1130 to 1131, GG replaced by AC.
Protein change: p.Gly377Asp; replaces glycine 377 with aspartic acid.
Molecular consequence: missense variant.
Genome position (GRCh38, 1-based): chr15:84,840,409-84,840,410, GG replaced by AC. VCF-style: chr15-84840409-GG-AC. GRCh37 (hg19) VCF-style: chr15-85383640-GG-AC.
Other names: short protein forms G377D.
Identifiers: ClinVar variation 1718116 (VCV001718116.5), dbSNP rs2505706065, ClinGen allele CA2580090124.

ClinVar aggregate classification (germline): Uncertain significance (1 of 4 stars; one submission).

Submission:

Labcorp Genetics (formerly Invitae), Labcorp
Classification: Uncertain significance. Last evaluated: 2022-08-27. Review status: criteria provided, single submitter. Criteria: Invitae Variant Classification Sherloc (09022015). Collection method: clinical testing. Allele origin: germline.
Comment: This variant has not been reported in the literature in individuals affected with ALPK3-related conditions. Information on the frequency of this variant in the gnomAD database is not available, as this variant may be reported differently in the database. This sequence change replaces glycine, which is neutral and non-polar, with aspartic acid, which is acidic and polar, at codon 579 of the ALPK3 protein (p.Gly579Asp). Algorithms developed to predict the effect of missense changes on protein structure and function are either unavailable or do not agree on the potential impact of this missense change (SIFT: "Not Available"; PolyPhen-2: "Benign"; Align-GVGD: "Not Available"). In summary, the available evidence is currently insufficient to determine the role of this variant in disease. Therefore, it has been classified as a Variant of Uncertain Significance.